The following is an entry in ClinVar:

NM_020884.7(MYH7B):c.755G>A (p.Arg252His)

Gene: MYH7B (myosin heavy chain 7B; plus strand). Cytogenetic location: 20q11.22.
Variant type: single nucleotide variant.
Coding change: c.755G>A on transcript NM_020884.7 (MANE Select); coding-DNA position 755, G replaced by A.
Protein change: p.Arg252His; replaces arginine 252 with histidine.
Molecular consequence: missense variant.
Genome position (GRCh38, 1-based): chr20:34,985,079, G>A. VCF-style: chr20-34985079-G-A. GRCh37 (hg19) VCF-style: chr20-33572882-G-A.
Other names: short protein forms R252H.
Identifiers: ClinVar variation 1906766 (VCV001906766.6), dbSNP rs757267514, ClinGen allele CA9826644.

ClinVar aggregate classification (germline): Uncertain significance. Review status: criteria provided, multiple submitters, no conflicts (2 of 4 stars). 2 submissions from 2 submitters: Uncertain significance (2). Last evaluated 2022-11-10.

Allele frequency attached by ClinVar (database versions not stated): ExAC 0.00003; gnomAD 0.00003; TOPMed 0.00004.

Submissions (2):

Ambry Genetics
Classification: Uncertain significance. Last evaluated: 2022-11-10. Review status: criteria provided, single submitter. Criteria: Ambry Variant Classification Scheme 2023. Collection method: clinical testing. Allele origin: germline.

Labcorp Genetics (formerly Invitae), Labcorp
Classification: Uncertain significance. Last evaluated: 2022-08-15. Review status: criteria provided, single submitter. Criteria: Invitae Variant Classification Sherloc (09022015). Collection method: clinical testing. Allele origin: germline.
Comment: In summary, the available evidence is currently insufficient to determine the role of this variant in disease. Therefore, it has been classified as a Variant of Uncertain Significance. Algorithms developed to predict the effect of missense changes on protein structure and function (SIFT, PolyPhen-2, Align-GVGD) all suggest that this variant is likely to be disruptive. This variant has not been reported in the literature in individuals affected with MYH7B-related conditions. This variant is present in population databases (rs757267514, gnomAD 0.02%). This sequence change replaces arginine, which is basic and polar, with histidine, which is basic and polar, at codon 294 of the MYH7B protein (p.Arg294His).